The following is an entry in ClinVar:

ClinVar aggregate classification (germline): Uncertain significance (1 of 4 stars; one submission).

Allele frequency attached by ClinVar (database versions not stated): TOPMed below 0.00001; gnomAD exomes 0.00001.
gnomAD v4.1: 7 of 1,602,660 alleles (0.00044%); highest among the groups gnomAD compares: Non-Finnish European, 0.0006%; no homozygotes.

Submission:

Labcorp Genetics (formerly Invitae), Labcorp
Classification: Uncertain significance. Last evaluated: 2022-05-29. Review status: criteria provided, single submitter. Criteria: Invitae Variant Classification Sherloc (09022015). Collection method: clinical testing. Allele origin: germline.
Comment: In summary, the available evidence is currently insufficient to determine the role of this variant in disease. Therefore, it has been classified as a Variant of Uncertain Significance. Algorithms developed to predict the effect of missense changes on protein structure and function (SIFT, PolyPhen-2, Align-GVGD) all suggest that this variant is likely to be tolerated. This variant has not been reported in the literature in individuals affected with RCBTB1-related conditions. This variant is not present in population databases (gnomAD no frequency). This sequence change replaces asparagine, which is neutral and polar, with serine, which is neutral and polar, at codon 210 of the RCBTB1 protein (p.Asn210Ser).

NM_018191.4(RCBTB1):c.629A>G (p.Asn210Ser)

Gene: RCBTB1 (RCC1 and BTB domain containing protein 1; minus strand). Cytogenetic location: 13q14.2.
Variant type: single nucleotide variant.
Coding change: c.629A>G on transcript NM_018191.4 (MANE Select); coding-DNA position 629, A replaced by G.
Protein change: p.Asn210Ser; replaces asparagine 210 with serine.
Molecular consequence: missense variant. On other transcripts: non-coding transcript variant (2).
Genome position (GRCh38, 1-based): chr13:49,552,260, T>C on the plus strand (A>G on the coding strand, the complement: RCBTB1 is on the minus strand). VCF-style: chr13-49552260-T-C. GRCh37 (hg19) VCF-style: chr13-50126396-T-C.
Other names: c.629A>G, p.Asn210Ser (NM_001352500.2, NM_001352501.2, NM_001352502.2 and 3 more transcripts); c.50A>G, p.Asn17Ser (NM_001352506.2); short protein forms N17S, N210S.
Identifiers: ClinVar variation 1911099 (VCV001911099.5), dbSNP rs1961430893, ClinGen allele CA388190966.